The following is an entry in ClinVar:

NM_004958.4(MTOR):c.6752G>A (p.Arg2251Gln)

Gene: MTOR (mechanistic target of rapamycin kinase; minus strand). Cytogenetic location: 1p36.22.
Variant type: single nucleotide variant.
Coding change: c.6752G>A on transcript NM_004958.4 (MANE Select); coding-DNA position 6752, G replaced by A.
Protein change: p.Arg2251Gln; replaces arginine 2251 with glutamine.
Molecular consequence: missense variant.
Genome position (GRCh38, 1-based): chr1:11,122,037, C>T on the plus strand (G>A on the coding strand, the complement: MTOR is on the minus strand). VCF-style: chr1-11122037-C-T. GRCh37 (hg19) VCF-style: chr1-11182094-C-T.
Other names: NM_004958.4(MTOR):c.6752G>A; p.Arg2251Gln; short protein forms R2251Q.
Identifiers: ClinVar variation 858694 (VCV000858694.15), dbSNP rs1642555959, ClinGen allele CA338385973.

ClinVar aggregate classification (germline): Uncertain significance. Review status: reviewed by expert panel (3 of 4 stars). 3 submissions from 3 submitters: Uncertain significance (1). 2 of the submissions do not count toward it. Last evaluated 2025-07-01.

Conditions:
Overgrowth syndrome and/or cerebral malformations due to abnormalities in MTOR pathway genes. Identifiers: MedGen CN300503, MONDO:0100283.

Allele frequency attached by ClinVar (database versions not stated): gnomAD exomes below 0.00001; TOPMed below 0.00001; gnomAD 0.00001.
gnomAD v4.1: 4 of 1,614,042 alleles (0.00025%); highest among the groups gnomAD compares: Non-Finnish European, 0.00025%; no homozygotes.

Submissions (3):

ClinGen Brain Malformations Variant Curation Expert Panel
Classification: Uncertain significance for Overgrowth syndrome and/or cerebral malformations due to abnormalities in MTOR pathway genes. Last evaluated: 2025-07-01. Review status: reviewed by expert panel. Criteria: ClinGen BrainMalform ACMG Specifications V1.1.0. Collection method: curation. Allele origin: germline. Inheritance: Autosomal dominant inheritance.
Comment: The c.6752G>A (NM_004958.4) is a missense variant in MTOR predicted to cause substitution of arginine by glutamine at amino acid 2251 (p.Arg2251Gln). The highest population minor allele frequency in gnomAD v4.1.0 is 0.001600% (1/62482 alleles) in the Remaining population. There are 4 total allele counts (PM2_Supporting, BS1, and BA1 not met). MTOR, in which the variant was identified, is defined by the ClinGen Brain Malformations VCEP as a gene that has a low rate of benign missense variation and where pathogenic missense variants are a common mechanism of disease (PP2). This variant has also been reported in two tumor samples in COSMIC (0.5 pts, PS4_Supporting; COSV63872621). In summary, this variant meets the criteria to be classified as uncertain significance for autosomal dominant overgrowth with or without cerebral malformations due to abnormalities in MTOR-pathway genes based on the ACMG/AMP criteria applied, as specified by the ClinGen Brain Malformations Expert Panel: PP2, PS4_Supporting; 2 points (VCEP specifications version 1.1)

GeneDx
Classification: Uncertain significance. Last evaluated: 2025-07-16. Review status: criteria provided, single submitter. Criteria: GeneDx Variant Classification Process June 2021. Collection method: clinical testing. Allele origin: germline. Affected: yes. Not counted in ClinVar's aggregate classification.
Comment: Not observed at significant frequency in large population cohorts (gnomAD); In silico analysis supports that this missense variant has a deleterious effect on protein structure/function; In silico analysis suggests this variant may impact gene splicing. In the absence of RNA/functional studies, the actual effect of this sequence change is unknown.; Has not been previously published as pathogenic or benign to our knowledge

Labcorp Genetics (formerly Invitae), Labcorp
Classification: Likely benign. Last evaluated: 2023-05-18. Review status: criteria provided, single submitter. Criteria: Invitae Variant Classification Sherloc (09022015). Collection method: clinical testing. Allele origin: germline. Not counted in ClinVar's aggregate classification.